The following is an entry in ClinVar:

NM_001379286.1(ZNF423):c.1544A>G (p.Asn515Ser)

Gene: ZNF423 (zinc finger protein 423; minus strand). Cytogenetic location: 16q12.1.
Variant type: single nucleotide variant.
Coding change: c.1544A>G on transcript NM_001379286.1 (MANE Select); coding-DNA position 1544, A replaced by G.
Protein change: p.Asn515Ser; replaces asparagine 515 with serine.
Molecular consequence: missense variant.
Genome position (GRCh38, 1-based): chr16:49,637,632, T>C on the plus strand (A>G on the coding strand, the complement: ZNF423 is on the minus strand). VCF-style: chr16-49637632-T-C. GRCh37 (hg19) VCF-style: chr16-49671543-T-C.
Other names: c.1340A>G, p.Asn447Ser (NM_001271620.2); c.1169A>G, p.Asn390Ser (NM_001330533.2); c.1520A>G, p.Asn507Ser (NM_015069.5); short protein forms N507S, N390S, N447S, N515S.
Identifiers: ClinVar variation 1943863 (VCV001943863.4), dbSNP rs1315968368, ClinGen allele CA395848596.

ClinVar aggregate classification (germline): Uncertain significance (1 of 4 stars; one submission).

Conditions:
Nephronophthisis 14 (NPHP14). Identifiers: Orphanet 2318, MedGen C3539071, MONDO:0013916, OMIM 614844.

Allele frequency attached by ClinVar (database versions not stated): gnomAD exomes below 0.00001.
gnomAD v4.1: 2 of 1,613,906 alleles (0.00012%); highest among the groups gnomAD compares: Non-Finnish European, 0.00017%; no homozygotes.

Submission:

Labcorp Genetics (formerly Invitae), Labcorp
Classification: Uncertain significance for Nephronophthisis 14. Last evaluated: 2022-02-17. Review status: criteria provided, single submitter. Criteria: Invitae Variant Classification Sherloc (09022015). Collection method: clinical testing. Allele origin: germline.
Comment: In summary, the available evidence is currently insufficient to determine the role of this variant in disease. Therefore, it has been classified as a Variant of Uncertain Significance. Algorithms developed to predict the effect of missense changes on protein structure and function (SIFT, PolyPhen-2, Align-GVGD) all suggest that this variant is likely to be tolerated. This variant has not been reported in the literature in individuals affected with ZNF423-related conditions. This variant is present in population databases (no rsID available, gnomAD 0.0009%). This sequence change replaces asparagine, which is neutral and polar, with serine, which is neutral and polar, at codon 507 of the ZNF423 protein (p.Asn507Ser).